The following is an entry in ClinVar:

ClinVar aggregate classification (germline): Uncertain significance (1 of 4 stars; one submission).

Conditions:
Hereditary pheochromocytoma and paraganglioma. Also called: Hereditary paragangliomas and pheochromocytomas; Hereditary Paraganglioma-Pheochromocytoma Syndromes; Hereditary pheochromocytoma-paraganglioma. Identifiers: Orphanet 29072, MedGen C4274332, MONDO:0017366.

Submission:

Labcorp Genetics (formerly Invitae), Labcorp
Classification: Uncertain significance for Hereditary pheochromocytoma and paraganglioma. Last evaluated: 2025-08-07. Review status: criteria provided, single submitter. Criteria: Invitae Variant Classification Sherloc (09022015). Collection method: clinical testing. Allele origin: germline.
Comment: This sequence change replaces glutamine, which is neutral and polar, with arginine, which is basic and polar, at codon 54 of the MAX protein (p.Gln54Arg). This variant is not present in population databases (gnomAD no frequency). This variant has not been reported in the literature in individuals affected with MAX-related conditions. ClinVar contains an entry for this variant (Variation ID: 2009068). An algorithm developed to predict the effect of missense changes on protein structure and function (PolyPhen-2) suggests that this variant is likely to be tolerated. In summary, the available evidence is currently insufficient to determine the role of this variant in disease. Therefore, it has been classified as a Variant of Uncertain Significance.

NM_002382.5(MAX):c.161A>G (p.Gln54Arg)

Genes: MAX (MYC associated transcriptional regulator X; minus strand), MAX-AS1 (MAX antisense RNA 1; plus strand). Cytogenetic location: 14q23.3.
Variant type: single nucleotide variant.
Coding change: c.161A>G on transcript NM_002382.5 (MANE Select); coding-DNA position 161, A replaced by G.
Protein change: p.Gln54Arg; replaces glutamine 54 with arginine.
Molecular consequence: missense variant. On other transcripts: non-coding transcript variant (1), 5 prime UTR variant (1).
Genome position (GRCh38, 1-based): chr14:65,093,718, T>C on the plus strand (A>G on the coding strand, the complement: MAX is on the minus strand). VCF-style: chr14-65093718-T-C. GRCh37 (hg19) VCF-style: chr14-65560436-T-C.
Other names: c.134A>G, p.Gln45Arg (NM_001271068.2, NM_001271069.2, NM_001407095.1 and 9 more transcripts); c.-114A>G (NM_001320415.2, NM_001407105.1, NM_001407106.1 and 1 more transcripts); c.161A>G, p.Gln54Arg (NM_001407094.1, NM_001407096.1, NM_001407097.1 and 5 more transcripts); c.-207A>G (NM_001407111.1, NM_001407112.1); c.184A>G, p.Lys62Glu (NM_001407114.1); short protein forms Q45R, Q54R, K62E.
Identifiers: ClinVar variation 2009068 (VCV002009068.4), dbSNP rs2504402383, ClinGen allele CA390037617.
Genomic context (GRCh38, chr14:65,093,718, plus strand): 5'-AAGTTCCAAGCTAGTAGTGGCCAGCTACTCAGCTTTCTCAGGAAACTCACCTTCTCTCCT[T>C]GGAGTGATGGGACTGAGTCCCGCAAACTGTGAAAGCTGTCTTTGATGTGGTCCCTACGTT-3'
Protein context (NP_002373.3, residues 44-64): HSLRDSVPSL[Gln54Arg]GEKASRAQIL